The following is an entry in ClinVar:

NM_005591.4(MRE11):c.116C>T (p.Thr39Ile)

Gene: MRE11 (MRE11 double strand break repair nuclease; minus strand). Cytogenetic location: 11q21.
Variant type: single nucleotide variant.
Coding change: c.116C>T on transcript NM_005591.4 (MANE Select); coding-DNA position 116, C replaced by T.
Protein change: p.Thr39Ile; replaces threonine 39 with isoleucine.
Molecular consequence: missense variant.
Genome position (GRCh38, 1-based): chr11:94,490,870, G>A on the plus strand (C>T on the coding strand, the complement: MRE11 is on the minus strand). VCF-style: chr11-94490870-G-A. GRCh37 (hg19) VCF-style: chr11-94224036-G-A.
Other names: c.116C>T, p.Thr39Ile (NM_001330347.2, NM_005590.4); short protein forms T39I.
Identifiers: ClinVar variation 1800294 (VCV001800294.2), dbSNP rs2496652838, ClinGen allele CA382380701.

ClinVar aggregate classification (germline): Uncertain significance (1 of 4 stars; one submission).

Conditions:
Hereditary cancer-predisposing syndrome. Also called: Neoplastic Syndromes, Hereditary; Tumor predisposition; Hereditary Cancer Syndrome; Hereditary neoplastic syndrome. Identifiers: Orphanet 140162, MedGen C0027672, MeSH D009386, MONDO:0015356.

Allele frequency attached by ClinVar (database versions not stated): gnomAD exomes below 0.00001.
gnomAD v4.1: 2 of 1,613,404 alleles (0.00012%); highest among the groups gnomAD compares: Non-Finnish European, 0.00017%; no homozygotes.

Submission:

Ambry Genetics
Classification: Uncertain significance for Hereditary cancer-predisposing syndrome. Last evaluated: 2020-04-28. Review status: criteria provided, single submitter. Criteria: Ambry Variant Classification Scheme 2023. Collection method: clinical testing. Allele origin: germline.
Comment: The p.T39I variant (also known as c.116C>T), located in coding exon 2 of the MRE11A gene, results from a C to T substitution at nucleotide position 116. The threonine at codon 39 is replaced by isoleucine, an amino acid with similar properties. This amino acid position is highly conserved in available vertebrate species. In addition, this alteration is predicted to be deleterious by in silico analysis. Since supporting evidence is limited at this time, the clinical significance of this alteration remains unclear.